The following is an entry in ClinVar:

NM_001323289.2(CDKL5):c.939A>G (p.Arg313=)

Gene: CDKL5 (cyclin dependent kinase like 5; plus strand). Cytogenetic location: Xp22.13.
Variant type: single nucleotide variant.
Coding change: c.939A>G on transcript NM_001323289.2 (MANE Select); coding-DNA position 939, A replaced by G.
Protein change: p.Arg313=; no amino-acid change (arginine 313 retained).
Molecular consequence: synonymous variant.
Genome position (GRCh38, 1-based): chrX:18,598,575, A>G. VCF-style: chrX-18598575-A-G. GRCh37 (hg19) VCF-style: chrX-18616695-A-G.
Other names: c.939A>G, p.Arg313= (NM_001037343.2, NM_003159.3).
Identifiers: ClinVar variation 588149 (VCV000588149.9), dbSNP rs370986597, ClinGen allele CA10360313.

ClinVar aggregate classification (germline): Likely benign. Review status: criteria provided, multiple submitters, no conflicts (2 of 4 stars). 3 submissions from 3 submitters: Likely benign (3). Last evaluated 2025-03-05.

Conditions:
History of neurodevelopmental disorder. Identifiers: MedGen C2711754.
Angelman syndrome-like. Identifiers: MedGen CN128785.
Developmental and epileptic encephalopathy, 2 (DEE2). Also called: INFANTILE SPASM SYNDROME, X-LINKED 2; CDKL5 deficiency disorder. Identifiers: Orphanet 1934, Orphanet 3451, Orphanet 505652, MedGen C4750718, MONDO:0010396, OMIM 300672.

Allele frequency attached by ClinVar (database versions not stated): gnomAD exomes below 0.00001 and 0.00001; ExAC 0.00001; gnomAD 0.00001; TOPMed 0.00002; ESP Exome Variant Server 0.00009.

Submissions (3):

Labcorp Genetics (formerly Invitae), Labcorp
Classification: Likely benign for Developmental and epileptic encephalopathy, 2; Angelman syndrome-like. Last evaluated: 2025-03-05. Review status: criteria provided, single submitter. Criteria: Invitae Variant Classification Sherloc (09022015). Collection method: clinical testing. Allele origin: germline.

Blueprint Genetics
Classification: Likely benign. Last evaluated: 2018-09-26. Review status: criteria provided, single submitter. Criteria: ACMG Guidelines, 2015. Collection method: clinical testing. Allele origin: germline.

Ambry Genetics
Classification: Likely benign for History of neurodevelopmental disorder. Last evaluated: 2016-08-23. Review status: criteria provided, single submitter. Criteria: Ambry Autosomal Dominant and X-Linked criteria (10/2015). Collection method: clinical testing. Allele origin: germline. Observed: 1 variant allele.
Comment: In silico models in agreement (benign);Synonymous alterations with insufficient evidence to classify as benign